The following is an entry in ClinVar:

ClinVar aggregate classification (germline): Uncertain significance. Review status: criteria provided, multiple submitters, no conflicts (2 of 4 stars). 3 submissions from 3 submitters: Uncertain significance (3). Last evaluated 2023-05-17.

Conditions:
Hereditary cancer-predisposing syndrome. Also called: Hereditary neoplastic syndrome; Neoplastic Syndromes, Hereditary; Tumor predisposition; Hereditary Cancer Syndrome. Identifiers: Orphanet 140162, MedGen C0027672, MeSH D009386, MONDO:0015356.
Hereditary breast ovarian cancer syndrome. Also called: Hereditary breast and ovarian cancer syndrome (HBOC); BRCA1- and BRCA2-Associated Hereditary Breast and Ovarian Cancer; Hereditary breast and ovarian cancer syndrome; Breast and ovarian cancer; Hereditary breast and ovarian cancer; Hereditary breast and/or ovarian cancer syndrome. Identifiers: Orphanet 145, MedGen C0677776, MeSH D061325, MONDO:0003582. Disease mechanism: loss of function.
Familial cancer of breast. Also called: BREAST CANCER, FAMILIAL; hereditary breast carcinoma; Hereditary breast cancer. Identifiers: Orphanet 227535, MedGen C0346153, MONDO:0016419, OMIM 114480. Disease mechanism: loss of function.

Allele frequency attached by ClinVar (database versions not stated): TOPMed below 0.00001.

Submissions (3):

Baylor Genetics
Classification: Uncertain significance for Familial cancer of breast. Last evaluated: 2023-05-17. Review status: criteria provided, single submitter. Criteria: ACMG Guidelines, 2015. Collection method: clinical testing. Allele origin: unknown.

Labcorp Genetics (formerly Invitae), Labcorp
Classification: Uncertain significance for Hereditary breast ovarian cancer syndrome. Last evaluated: 2022-03-04. Review status: criteria provided, single submitter. Criteria: Invitae Variant Classification Sherloc (09022015). Collection method: clinical testing. Allele origin: germline.
Comment: Advanced modeling of protein sequence and biophysical properties (such as structural, functional, and spatial information, amino acid conservation, physicochemical variation, residue mobility, and thermodynamic stability) performed at Invitae indicates that this missense variant is not expected to disrupt BRCA2 protein function. This sequence change replaces methionine, which is neutral and non-polar, with leucine, which is neutral and non-polar, at codon 2775 of the BRCA2 protein (p.Met2775Leu). This variant is not present in population databases (gnomAD no frequency). This variant has not been reported in the literature in individuals affected with BRCA2-related conditions. ClinVar contains an entry for this variant (Variation ID: 531249). In summary, the available evidence is currently insufficient to determine the role of this variant in disease. Therefore, it has been classified as a Variant of Uncertain Significance.

Color Diagnostics, LLC DBA Color Health
Classification: Uncertain significance for Hereditary cancer-predisposing syndrome. Last evaluated: 2019-02-21. Review status: criteria provided, single submitter. Criteria: ACMG Guidelines, 2015. Collection method: clinical testing. Allele origin: germline.

NM_000059.4(BRCA2):c.8323A>C (p.Met2775Leu)

Gene: BRCA2 (BRCA2 DNA repair associated; plus strand). Cytogenetic location: 13q13.1.
Variant type: single nucleotide variant.
Coding change: c.8323A>C on transcript NM_000059.4 (MANE Select); coding-DNA position 8323, A replaced by C.
Protein change: p.Met2775Leu; replaces methionine 2775 with leucine.
Molecular consequence: missense variant.
Genome position (GRCh38, 1-based): chr13:32,363,525, A>C. VCF-style: chr13-32363525-A-C. GRCh37 (hg19) VCF-style: chr13-32937662-A-C.
Other names: short protein forms M2775L.
Identifiers: ClinVar variation 531249 (VCV000531249.12), dbSNP rs767209209, ClinGen allele CA387750266.